The following is an entry in ClinVar:

NM_000748.3(CHRNB2):c.1111G>A (p.Glu371Lys)

Gene: CHRNB2 (cholinergic receptor nicotinic beta 2 subunit; plus strand). Cytogenetic location: 1q21.3.
Variant type: single nucleotide variant.
Coding change: c.1111G>A on transcript NM_000748.3 (MANE Select); coding-DNA position 1111, G replaced by A.
Protein change: p.Glu371Lys; replaces glutamic acid 371 with lysine.
Molecular consequence: missense variant.
Genome position (GRCh38, 1-based): chr1:154,571,934, G>A. VCF-style: chr1-154571934-G-A. GRCh37 (hg19) VCF-style: chr1-154544410-G-A.
Other names: short protein forms E371K.
Identifiers: ClinVar variation 963249 (VCV000963249.9), dbSNP rs1696175893, ClinGen allele CA342631504.
Genomic context (GRCh38, chr1:154,571,934, plus strand): 5'-CAGCCACGCCATCATTGCGCCCGTCAGCGCCTGCGCCTGCGGCGACGCCAGCGTGAGCGC[G>A]AGGGCGCTGGAGCCCTCTTCTTCCGCGAAGCCCCAGGGGCCGACTCCTGCACGTGCTTCG-3'
Protein context (NP_000739.1, residues 361-381): LRLRRRQRER[Glu371Lys]GAGALFFREA

ClinVar aggregate classification (germline): Uncertain significance (1 of 4 stars; one submission).

Conditions:
Familial sleep-related hypermotor epilepsy. Also called: Autosomal Dominant Sleep-Related Hypermotor (Hyperkinetic) Epilepsy. Identifiers: Orphanet 98784, MedGen C3696898, MONDO:0000030.

Submission:

Labcorp Genetics (formerly Invitae), Labcorp
Classification: Uncertain significance. Last evaluated: 2019-10-31. Review status: criteria provided, single submitter. Criteria: Invitae Variant Classification Sherloc (09022015). Collection method: clinical testing. Allele origin: germline.
Comment: In summary, the available evidence is currently insufficient to determine the role of this variant in disease. Therefore, it has been classified as a Variant of Uncertain Significance. Algorithms developed to predict the effect of missense changes on protein structure and function (SIFT, PolyPhen-2, Align-GVGD) all suggest that this variant is likely to be tolerated, but these predictions have not been confirmed by published functional studies and their clinical significance is uncertain. This sequence change replaces glutamic acid with lysine at codon 371 of the CHRNB2 protein (p.Glu371Lys). The glutamic acid residue is moderately conserved and there is a small physicochemical difference between glutamic acid and lysine. The frequency data for this variant in the population databases is considered unreliable, as metrics indicate insufficient coverage at this position in the ExAC database. This variant has not been reported in the literature in individuals with CHRNB2-related conditions.